The following is an entry in ClinVar:

ClinVar aggregate classification (germline): Uncertain significance. Review status: criteria provided, multiple submitters, no conflicts (2 of 4 stars). 2 submissions from 2 submitters: Uncertain significance (2). Last evaluated 2024-08-30.

Conditions:
Cardiovascular phenotype. Identifiers: MedGen CN230736.
RASopathy. Also called: rasopathies; Noonan spectrum disorder. Identifiers: Orphanet 536391, MedGen C5555857, MONDO:0021060.

Allele frequency attached by ClinVar (database versions not stated): gnomAD exomes below 0.00001; ExAC 0.00001.
gnomAD v4.1: 33 of 1,613,906 alleles (0.002%); highest among the groups gnomAD compares: East Asian, 0.053%; no homozygotes.

Submissions (2):

Ambry Genetics
Classification: Uncertain significance for Cardiovascular phenotype. Last evaluated: 2024-08-30. Review status: criteria provided, single submitter. Criteria: Ambry Variant Classification Scheme 2023. Collection method: clinical testing. Allele origin: germline.
Comment: The p.T1315R variant (also known as c.3944C>G), located in coding exon 23 of the SOS1 gene, results from a C to G substitution at nucleotide position 3944. The threonine at codon 1315 is replaced by arginine, an amino acid with similar properties. This amino acid position is well conserved in available vertebrate species. In addition, this alteration is predicted to be tolerated by in silico analysis. Based on the available evidence, the clinical significance of this variant remains unclear.

Labcorp Genetics (formerly Invitae), Labcorp
Classification: Uncertain significance for RASopathy. Last evaluated: 2021-08-14. Review status: criteria provided, single submitter. Criteria: Invitae Variant Classification Sherloc (09022015). Collection method: clinical testing. Allele origin: germline.
Comment: Algorithms developed to predict the effect of missense changes on protein structure and function (SIFT, PolyPhen-2, Align-GVGD) all suggest that this variant is likely to be tolerated. In summary, the available evidence is currently insufficient to determine the role of this variant in disease. Therefore, it has been classified as a Variant of Uncertain Significance. This sequence change replaces threonine with arginine at codon 1315 of the SOS1 protein (p.Thr1315Arg). The threonine residue is weakly conserved and there is a moderate physicochemical difference between threonine and arginine. This variant is present in population databases (rs779904535, ExAC 0.01%). This variant has not been reported in the literature in individuals affected with SOS1-related conditions.

NM_005633.4(SOS1):c.3944C>G (p.Thr1315Arg)

Gene: SOS1 (SOS Ras/Rac guanine nucleotide exchange factor 1; minus strand). Cytogenetic location: 2p22.1.
Variant type: single nucleotide variant.
Coding change: c.3944C>G on transcript NM_005633.4 (MANE Select); coding-DNA position 3944, C replaced by G.
Protein change: p.Thr1315Arg; replaces threonine 1315 with arginine.
Molecular consequence: missense variant.
Genome position (GRCh38, 1-based): chr2:38,985,882, G>C on the plus strand (C>G on the coding strand, the complement: SOS1 is on the minus strand). VCF-style: chr2-38985882-G-C. GRCh37 (hg19) VCF-style: chr2-39213023-G-C.
Other names: c.3923C>G, p.Thr1308Arg (NM_001382394.1); c.3899C>G, p.Thr1300Arg (NM_001382395.1); c.3944C>G (NM_005633.3); short protein forms T1315R, T1300R, T1308R.
Identifiers: ClinVar variation 1505369 (VCV001505369.7), dbSNP rs779904535, ClinGen allele CA1624093.